The following is an entry in ClinVar:

NM_016239.4(MYO15A):c.5245C>T (p.Gln1749Ter)

Gene: MYO15A (myosin XVA; plus strand). Cytogenetic location: 17p11.2.
Variant type: single nucleotide variant.
Coding change: c.5245C>T on transcript NM_016239.4 (MANE Select); coding-DNA position 5245, C replaced by T.
Protein change: p.Gln1749Ter; replaces glutamine 1749 with a stop codon.
Molecular consequence: nonsense.
Genome position (GRCh38, 1-based): chr17:18,140,550, C>T. VCF-style: chr17-18140550-C-T. GRCh37 (hg19) VCF-style: chr17-18043864-C-T.
Other names: short protein forms Q1749*.
Identifiers: ClinVar variation 3601354 (VCV003601354.1).

ClinVar aggregate classification (germline): Pathogenic (1 of 4 stars; one submission).

Conditions:
Autosomal recessive nonsyndromic hearing loss 3. Also called: NEUROSENSORY NONSYNDROMIC RECESSIVE DEAFNESS 3. Identifiers: Orphanet 90636, MedGen C1838263, MONDO:0010860, OMIM 600316.

gnomAD v4.1: 3 of 1,613,718 alleles (0.00019%); highest among the groups gnomAD compares: Non-Finnish European, 0.00025%; no homozygotes.

Submission:

Institute of Rare Diseases, West China Hospital, Sichuan University
Classification: Pathogenic for Autosomal recessive nonsyndromic hearing loss 3. Last evaluated: 2025-01-09. Review status: criteria provided, single submitter. Criteria: ClinGen HL ACMG Specifications v1. Collection method: research. Allele origin: germline. Affected: yes.
Comment: PVS1;PM3;PM2_Supporting